The following is an entry in ClinVar:

ClinVar aggregate classification (germline): Pathogenic (1 of 4 stars; one submission).

Conditions:
Rhabdoid tumor predisposition syndrome 2 (RTPS2). Identifiers: Orphanet 231108, Orphanet 69077, MedGen C2750074, MONDO:0013224, OMIM 613325.

Submission:

Labcorp Genetics (formerly Invitae), Labcorp
Classification: Pathogenic for Rhabdoid tumor predisposition syndrome 2. Last evaluated: 2022-03-05. Review status: criteria provided, single submitter. Criteria: Invitae Variant Classification Sherloc (09022015). Collection method: clinical testing. Allele origin: germline.
Comment: For these reasons, this variant has been classified as Pathogenic. This variant has not been reported in the literature in individuals affected with SMARCA4-related conditions. This variant is a gross deletion of the genomic region encompassing exon(s) 7-8 of the SMARCA4 gene. This deletion is out-of-frame, and is expected to create a premature termination codon and result in an absent or disrupted protein product. Loss-of-function variants in SMARCA4 are known to be pathogenic (PMID: 24658001, 24658002).

Literature cited by the submitters: PubMed 24658001; PubMed 24658002.

NC_000019.9:g.(?_11099983)_(11102009_?)del

Gene: SMARCA4 (SWI/SNF related BAF chromatin remodeling complex subunit ATPase 4; plus strand). Cytogenetic location: 19p13.2.
Variant type: Deletion.
Identifiers: ClinVar variation 1460124 (VCV001460124.7).